The following is an entry in ClinVar:

NM_014000.3(VCL):c.2684A>G (p.Asn895Ser)

Gene: VCL (vinculin; plus strand). Cytogenetic location: 10q22.2.
Variant type: single nucleotide variant.
Coding change: c.2684A>G on transcript NM_014000.3 (MANE Select); coding-DNA position 2684, A replaced by G.
Protein change: p.Asn895Ser; replaces asparagine 895 with serine.
Molecular consequence: missense variant.
Genome position (GRCh38, 1-based): chr10:74,109,095, A>G. VCF-style: chr10-74109095-A-G. GRCh37 (hg19) VCF-style: chr10-75868853-A-G.
Other names: c.2684A>G, p.Asn895Ser (NM_003373.4); short protein forms N895S.
Identifiers: ClinVar variation 4198542 (VCV004198542.1).

ClinVar aggregate classification (germline): Uncertain significance (1 of 4 stars; one submission).

Conditions:
Cardiovascular phenotype. Identifiers: MedGen CN230736.

Submission:

Ambry Genetics
Classification: Uncertain significance for Cardiovascular phenotype. Last evaluated: 2025-06-28. Review status: criteria provided, single submitter. Criteria: Ambry Variant Classification Scheme 2023. Collection method: clinical testing. Allele origin: germline.
Comment: The p.N895S variant (also known as c.2684A>G), located in coding exon 18 of the VCL gene, results from an A to G substitution at nucleotide position 2684. The asparagine at codon 895 is replaced by serine, an amino acid with highly similar properties. This amino acid position is conserved. In addition, this alteration is predicted to be tolerated by in silico analysis. Based on the available evidence, the clinical significance of this variant remains unclear.